The following is an entry in ClinVar:

NM_003494.4(DYSF):c.1493G>T (p.Gly498Val)

Gene: DYSF (dysferlin; plus strand). Cytogenetic location: 2p13.2.
Variant type: single nucleotide variant.
Coding change: c.1493G>T on transcript NM_003494.4 (MANE Plus Clinical); coding-DNA position 1493, G replaced by T.
Protein change: p.Gly498Val; replaces glycine 498 with valine.
Molecular consequence: missense variant. On other transcripts: intron variant (8).
Genome position (GRCh38, 1-based): chr2:71,549,362, G>T. VCF-style: chr2-71549362-G-T. GRCh37 (hg19) VCF-style: chr2-71776492-G-T.
Other names: c.1496G>T, p.Gly499Val (NM_001130455.2, NM_001130983.2); c.1493G>T, p.Gly498Val (NM_001130978.2); c.1586G>T, p.Gly529Val (NM_001130979.2); c.1589G>T, p.Gly530Val (NM_001130982.2); c.1574-1679G>T (NM_001130981.2, NM_001130980.2); c.1481-1679G>T (NM_001130977.2, NM_001130976.2); c.1577-1679G>T (NM_001130987.2, NM_001130985.2); c.1484-1679G>T (NM_001130984.2, NM_001130986.2); short protein forms G498V, G529V, G499V, G530V.
Identifiers: ClinVar variation 392441 (VCV000392441.3), dbSNP rs1057524492, ClinGen allele CA16604360.

ClinVar aggregate classification (germline): Uncertain significance. Review status: criteria provided, single submitter (1 of 4 stars). 2 submissions from 2 submitters: Uncertain significance (1). 1 of the submissions does not count toward it. Last evaluated 2017-01-18.

Conditions:
Autosomal recessive limb-girdle muscular dystrophy type 2B (LGMDR2). Also called: Limb-Girdle Muscular Dystrophy Type 2B (LGMD2B); Limb-girdle muscular dystrophy, type 2B; MUSCULAR DYSTROPHY, LIMB-GIRDLE, TYPE 3; MUSCULAR DYSTROPHY, LIMB-GIRDLE, AUTOSOMAL RECESSIVE 2. Identifiers: Orphanet 268, MedGen C1850889, MONDO:0009676, OMIM 253601.

Allele frequency attached by ClinVar (database versions not stated): gnomAD exomes 0.00001.
gnomAD v4.1: 3 of 1,612,864 alleles (0.00019%); highest among the groups gnomAD compares: Admixed American, 0.005%; no homozygotes.

Submissions (2):

GeneDx
Classification: Uncertain significance. Last evaluated: 2017-01-18. Review status: criteria provided, single submitter. Criteria: GeneDx Variant Classification (06012015). Collection method: clinical testing. Allele origin: germline. Affected: yes.
Comment: The G498V variant in the DYSF gene has not been reported previously as a pathogenic variant, nor as a benign variant, to our knowledge. The G498V variant was not observed in approximately 6500 individuals of European and African American ancestry in the NHLBI Exome Sequencing Project, indicating it is not a common benign variant in these populations. The G498V variant is a conservative amino acid substitution, which is not likely to impact secondary protein structure as these residues share similar properties. This substitution occurs at a position that is conserved in mammals. In silico analysis is inconsistent in its predictions as to whether or not the variant is damaging to the protein structure/function. We interpret G498V as a variant of uncertain significance.

Natera, Inc.
Classification: Uncertain significance for Limb-girdle muscular dystrophy type 2B. Last evaluated: 2019-11-11. Review status: no assertion criteria provided. Collection method: clinical testing. Allele origin: germline. Not counted in ClinVar's aggregate classification.